The following is an entry in ClinVar:

ClinVar aggregate classification (germline): Uncertain significance (1 of 4 stars; one submission).

gnomAD v4.1: 9 of 1,592,558 alleles (0.00057%); highest among the groups gnomAD compares: East Asian, 0.0023%; no homozygotes.

Submission:

Labcorp Genetics (formerly Invitae), Labcorp
Classification: Uncertain significance. Last evaluated: 2025-04-03. Review status: criteria provided, single submitter. Criteria: Invitae Variant Classification Sherloc (09022015). Collection method: clinical testing. Allele origin: germline.
Comment: This sequence change replaces methionine, which is neutral and non-polar, with isoleucine, which is neutral and non-polar, at codon 566 of the TNFRSF11A protein (p.Met566Ile). This variant is present in population databases (rs767673201, gnomAD 0.006%). This variant has not been reported in the literature in individuals affected with TNFRSF11A-related conditions. An algorithm developed to predict the effect of missense changes on protein structure and function (PolyPhen-2) suggests that this variant is likely to be tolerated. In summary, the available evidence is currently insufficient to determine the role of this variant in disease. Therefore, it has been classified as a Variant of Uncertain Significance.

NM_003839.4(TNFRSF11A):c.1698G>A (p.Met566Ile)

Gene: TNFRSF11A (TNF receptor superfamily member 11a; plus strand). Cytogenetic location: 18q21.33.
Variant type: single nucleotide variant.
Coding change: c.1698G>A on transcript NM_003839.4 (MANE Select); coding-DNA position 1698, G replaced by A.
Protein change: p.Met566Ile; replaces methionine 566 with isoleucine.
Molecular consequence: missense variant. On other transcripts: 3 prime UTR variant (1).
Genome position (GRCh38, 1-based): chr18:62,384,881, G>A. VCF-style: chr18-62384881-G-A. GRCh37 (hg19) VCF-style: chr18-60052114-G-A.
Other names: c.*122G>A (NM_001270949.2); c.861G>A, p.Met287Ile (NM_001270950.2); c.747G>A, p.Met249Ile (NM_001270951.2); c.1656G>A, p.Met552Ile (NM_001278268.2); short protein forms M566I, M287I, M552I, M249I.
Identifiers: ClinVar variation 4702953 (VCV004702953.1).